The following is an entry in ClinVar:

ClinVar aggregate classification (germline): Uncertain significance (1 of 4 stars; one submission).

Conditions:
Hypertrophic cardiomyopathy. Also called: HYPERTROPHIC MYOCARDIOPATHY. Identifiers: Orphanet 217569, MedGen C0007194, MeSH D002312, MONDO:0005045, HP:0001639.

Allele frequency attached by ClinVar (database versions not stated): gnomAD exomes below 0.00001 and 0.00001.

Submission:

Labcorp Genetics (formerly Invitae), Labcorp
Classification: Uncertain significance for Hypertrophic cardiomyopathy. Last evaluated: 2021-10-05. Review status: criteria provided, single submitter. Criteria: Invitae Variant Classification Sherloc (09022015). Collection method: clinical testing. Allele origin: germline.
Comment: This variant is not present in population databases (ExAC no frequency). In summary, the available evidence is currently insufficient to determine the role of this variant in disease. Therefore, it has been classified as a Variant of Uncertain Significance. Variants that disrupt the consensus splice site are a relatively common cause of aberrant splicing (PMID: 17576681, 9536098). Algorithms developed to predict the effect of sequence changes on RNA splicing suggest that this variant is not likely to affect RNA splicing. This variant has not been reported in the literature in individuals affected with MYL3-related conditions. This sequence change falls in intron 2 of the MYL3 gene. It does not directly change the encoded amino acid sequence of the MYL3 protein. It affects a nucleotide within the consensus splice site of the intron.

Literature cited by the submitters: PubMed 17576681; PubMed 9536098.

NM_000258.3(MYL3):c.157+6del

Gene: MYL3 (myosin light chain 3; minus strand). Cytogenetic location: 3p21.31.
Variant type: Deletion.
Coding change: c.157+6del on transcript NM_000258.3 (MANE Select); 6 bases into the intron after coding-DNA position 157, one base deleted (C; older notation c.157+6delC).
Molecular consequence: intron variant.
Genome position (GRCh38, 1-based): chr3:46,860,954, G deleted on the plus strand (C on the coding strand, the reverse complement: MYL3 is on the minus strand). VCF-style (leftmost placement, unchanged base first): chr3-46860953-TG-T. GRCh37 (hg19) VCF-style: chr3-46902443-TG-T.
Identifiers: ClinVar variation 1489494 (VCV001489494.6), dbSNP rs1482795996, ClinGen allele CA543041960.